The following is an entry in ClinVar:

ClinVar aggregate classification (germline): Conflicting classifications of pathogenicity. Review status: criteria provided, conflicting classifications (1 of 4 stars). 2 submissions from 2 submitters: Uncertain significance (1); Likely benign (1). Last evaluated 2024-06-07.

Conditions:
Hereditary cancer-predisposing syndrome. Also called: Neoplastic Syndromes, Hereditary; Hereditary Cancer Syndrome; Tumor predisposition; Hereditary neoplastic syndrome. Identifiers: Orphanet 140162, MedGen C0027672, MeSH D009386, MONDO:0015356.
Ataxia-telangiectasia syndrome (AT). Also called: LOUIS-BAR SYNDROME; Cerebello-oculocutaneous telangiectasia; Immunodeficiency with ataxia telangiectasia; Ataxia-telangiectasia, complementation group D; AT, COMPLEMENTATION GROUP C; Ataxia-telangiectasia, complementation group E. Identifiers: Orphanet 100, MedGen C0004135, MONDO:0008840, OMIM 208900.

Submissions (2):

Ambry Genetics
Classification: Likely benign for Hereditary cancer-predisposing syndrome. Last evaluated: 2024-06-07. Review status: criteria provided, single submitter. Criteria: Ambry Variant Classification Scheme 2023. Collection method: clinical testing. Allele origin: germline.

Labcorp Genetics (formerly Invitae), Labcorp
Classification: Uncertain significance for Ataxia-telangiectasia syndrome. Last evaluated: 2023-08-17. Review status: criteria provided, single submitter. Criteria: Invitae Variant Classification Sherloc (09022015). Collection method: clinical testing. Allele origin: germline.
Comment: This sequence change replaces methionine, which is neutral and non-polar, with leucine, which is neutral and non-polar, at codon 2550 of the ATM protein (p.Met2550Leu). This variant is not present in population databases (gnomAD no frequency). This variant has not been reported in the literature in individuals affected with ATM-related conditions. ClinVar contains an entry for this variant (Variation ID: 407665). Algorithms developed to predict the effect of missense changes on protein structure and function output the following: SIFT: "Not Available"; PolyPhen-2: "Benign"; Align-GVGD: "Not Available". The leucine amino acid residue is found in multiple mammalian species, which suggests that this missense change does not adversely affect protein function. In summary, the available evidence is currently insufficient to determine the role of this variant in disease. Therefore, it has been classified as a Variant of Uncertain Significance.

NM_000051.4(ATM):c.7648A>C (p.Met2550Leu)

Genes: ATM (ATM serine/threonine kinase; plus strand), C11orf65 (chromosome 11 open reading frame 65; minus strand). Cytogenetic location: 11q22.3.
Variant type: single nucleotide variant.
Coding change: c.7648A>C on transcript NM_000051.4 (MANE Select); coding-DNA position 7648, A replaced by C.
Protein change: p.Met2550Leu; replaces methionine 2550 with leucine.
Molecular consequence: missense variant. On other transcripts: intron variant (2).
Genome position (GRCh38, 1-based): chr11:108,331,897, A>C. VCF-style: chr11-108331897-A-C. GRCh37 (hg19) VCF-style: chr11-108202624-A-C.
Other names: c.7648A>C, p.Met2550Leu (NM_001351834.2); c.641-22826T>G (NM_001330368.2); c.*38+3323T>G (NM_001351110.2); short protein forms M2550L.
Identifiers: ClinVar variation 407665 (VCV000407665.12), dbSNP rs878853545, ClinGen allele CA16613129.